The following is an entry in ClinVar:

NM_173660.5(DOK7):c.332-18T>C

Gene: DOK7 (docking protein 7; plus strand). Cytogenetic location: 4p16.3.
Variant type: single nucleotide variant.
Coding change: c.332-18T>C on transcript NM_173660.5 (MANE Select); 18 bases into the intron before coding-DNA position 332, T replaced by C.
Molecular consequence: intron variant.
Genome position (GRCh38, 1-based): chr4:3,476,324, T>C. VCF-style: chr4-3476324-T-C. GRCh37 (hg19) VCF-style: chr4-3478051-T-C.
Other names: p.?; c.332-18T>C (NM_001301071.2, NM_001164673.2); c.101-9215T>C (NM_001363811.2).
Identifiers: ClinVar variation 262875 (VCV000262875.16), dbSNP rs2699425, ClinGen allele CA2828973.

ClinVar aggregate classification (germline): Benign. Review status: criteria provided, multiple submitters, no conflicts (2 of 4 stars). 9 submissions from 8 submitters: Benign (9). Last evaluated 2026-03-27.

Conditions:
Fetal akinesia deformation sequence 3. Identifiers: MedGen C4760599, MONDO:0100103, OMIM 618389.
Fetal akinesia deformation sequence 1 (FADS1). Also called: Fetal akinesia sequence; Pena-Shokeir syndrome type I. Identifiers: Orphanet 994, MedGen C1276035, MONDO:0100101, OMIM 208150, HP:0001989.
Congenital myasthenic syndrome 10. Also called: Myasthenia, limb-girdle, familial. Identifiers: Orphanet 590, MedGen C1850792, MONDO:0009690, OMIM 254300.

Allele frequency attached by ClinVar (database versions not stated): gnomAD exomes 0.03214 and 0.14041; ExAC 0.25726; gnomAD 0.28202 and 0.28386; ESP Exome Variant Server 0.41084; 1000 Genomes Project 0.41753; TOPMed 0.42507.
gnomAD v4.1: 121,843 of 775,664 alleles (16%); highest among the groups gnomAD compares: Admixed American, 32%; 27,925 homozygotes.

Submissions (9):

Women's Health and Genetics/Laboratory Corporation of America, LabCorp
Classification: Benign. Last evaluated: 2026-03-27. Review status: criteria provided, single submitter. Criteria: LabCorp Variant Classification Summary - May 2015. Collection method: clinical testing. Allele origin: germline.

Labcorp Genetics (formerly Invitae), Labcorp
Classification: Benign for Congenital myasthenic syndrome 10; Fetal akinesia deformation sequence 1. Last evaluated: 2026-02-04. Review status: criteria provided, single submitter. Criteria: Invitae Variant Classification Sherloc (09022015). Collection method: clinical testing. Allele origin: germline.

Mayo Clinic Laboratories, Mayo Clinic
Classification: Benign. Last evaluated: 2025-01-31. Review status: criteria provided, single submitter. Criteria: ACMG Guidelines, 2015. Collection method: clinical testing. Allele origin: germline. Observed: 4 variant alleles.

Blueprint Genetics
Classification: Benign. Last evaluated: 2024-11-26. Review status: criteria provided, single submitter. Criteria: ACMG Guidelines, 2015. Collection method: clinical testing. Allele origin: germline.

Genome-Nilou Lab
Classification: Benign for Fetal akinesia deformation sequence 3. Last evaluated: 2021-07-30. Review status: criteria provided, single submitter. Criteria: ACMG Guidelines, 2015. Collection method: clinical testing. Allele origin: germline. Affected: no.

Genome-Nilou Lab
Classification: Benign for Congenital myasthenic syndrome 10. Last evaluated: 2021-07-30. Review status: criteria provided, single submitter. Criteria: ACMG Guidelines, 2015. Collection method: clinical testing. Allele origin: germline. Affected: no.

GeneDx
Classification: Benign. Last evaluated: 2016-01-19. Review status: criteria provided, single submitter. Criteria: GeneDx Variant Classification (06012015). Collection method: clinical testing. Allele origin: germline. Affected: yes.
Comment: This variant is considered likely benign or benign based on one or more of the following criteria: it is a conservative change, it occurs at a poorly conserved position in the protein, it is predicted to be benign by multiple in silico algorithms, and/or has population frequency not consistent with disease.

Breakthrough Genomics
Classification: Benign. Review status: criteria provided, single submitter. Criteria: ACMG Guidelines, 2015. Collection method: not provided. Allele origin: germline. Inheritance: Autosomal recessive inheritance. Affected: yes.

PreventionGenetics, part of Exact Sciences
Classification: Benign. Review status: criteria provided, single submitter. Criteria: ACMG Guidelines, 2015. Collection method: clinical testing. Allele origin: germline.